The following is an entry in ClinVar:

ClinVar aggregate classification (germline): Uncertain significance. Review status: criteria provided, multiple submitters, no conflicts (2 of 4 stars). 3 submissions from 3 submitters: Uncertain significance (2). 1 of the submissions does not count toward it. Last evaluated 2025-08-21.

Conditions:
Primary ciliary dyskinesia. Also called: Ciliary dyskinesia. Identifiers: Orphanet 244, MedGen C0008780, MONDO:0016575, HP:0012265.

gnomAD v4.1: 19 of 1,613,970 alleles (0.0012%); highest among the groups gnomAD compares: Non-Finnish European, 0.0016%; no homozygotes.

Submissions (3):

Labcorp Genetics (formerly Invitae), Labcorp
Classification: Uncertain significance for Primary ciliary dyskinesia. Last evaluated: 2025-08-21. Review status: criteria provided, single submitter. Criteria: Invitae Variant Classification Sherloc (09022015). Collection method: clinical testing. Allele origin: germline.
Comment: This sequence change replaces valine, which is neutral and non-polar, with isoleucine, which is neutral and non-polar, at codon 3958 of the DNAH5 protein (p.Val3958Ile). This variant is not present in population databases (gnomAD no frequency). This variant has not been reported in the literature in individuals affected with DNAH5-related conditions. ClinVar contains an entry for this variant (Variation ID: 3708206). Invitae Evidence Modeling of protein sequence and biophysical properties (such as structural, functional, and spatial information, amino acid conservation, physicochemical variation, residue mobility, and thermodynamic stability) indicates that this missense variant is not expected to disrupt DNAH5 protein function with a negative predictive value of 95%. In summary, the available evidence is currently insufficient to determine the role of this variant in disease. Therefore, it has been classified as a Variant of Uncertain Significance.

Ambry Genetics
Classification: Uncertain significance for Primary ciliary dyskinesia. Last evaluated: 2025-01-01. Review status: criteria provided, single submitter. Criteria: Ambry Variant Classification Scheme 2023. Collection method: clinical testing. Allele origin: germline.

Natera, Inc.
Classification: Uncertain significance for Primary ciliary dyskinesia. Last evaluated: 2025-03-24. Review status: no assertion criteria provided. Collection method: clinical testing. Allele origin: germline. Not counted in ClinVar's aggregate classification.

NM_001369.3(DNAH5):c.11872G>A (p.Val3958Ile)

Gene: DNAH5 (dynein axonemal heavy chain 5; minus strand). Cytogenetic location: 5p15.2.
Variant type: single nucleotide variant.
Coding change: c.11872G>A on transcript NM_001369.3 (MANE Select); coding-DNA position 11872, G replaced by A.
Protein change: p.Val3958Ile; replaces valine 3958 with isoleucine.
Molecular consequence: missense variant.
Genome position (GRCh38, 1-based): chr5:13,729,450, C>T on the plus strand (G>A on the coding strand, the complement: DNAH5 is on the minus strand). VCF-style: chr5-13729450-C-T. GRCh37 (hg19) VCF-style: chr5-13729559-C-T.
Other names: c.11872G>A (NM_001369.2); short protein forms V3958I.
Identifiers: ClinVar variation 3708206 (VCV003708206.4).